The following is an entry in ClinVar:

NM_020937.4(FANCM):c.1440G>C (p.Met480Ile)

Gene: FANCM (FA complementation group M; plus strand). Cytogenetic location: 14q21.2.
Variant type: single nucleotide variant.
Coding change: c.1440G>C on transcript NM_020937.4 (MANE Select); coding-DNA position 1440, G replaced by C.
Protein change: p.Met480Ile; replaces methionine 480 with isoleucine.
Molecular consequence: missense variant.
Genome position (GRCh38, 1-based): chr14:45,159,139, G>C. VCF-style: chr14-45159139-G-C. GRCh37 (hg19) VCF-style: chr14-45628342-G-C.
Other names: c.1362G>C, p.Met454Ile (NM_001308133.2); c.1440G>C, p.Met480Ile (NM_001308134.2); short protein forms M454I, M480I.
Identifiers: ClinVar variation 654746 (VCV000654746.1), dbSNP rs893380700, ClinGen allele CA259618711.

ClinVar aggregate classification (germline): Uncertain significance (1 of 4 stars; one submission).

Conditions:
Fanconi anemia (FA). Also called: Fanconi's anemia. Identifiers: Orphanet 84, MedGen C0015625, MeSH D005199, MONDO:0019391.

Allele frequency attached by ClinVar (database versions not stated): gnomAD exomes below 0.00001; gnomAD 0.00001; TOPMed 0.00002.
gnomAD v4.1: 3 of 1,612,590 alleles (0.00019%); highest among the groups gnomAD compares: African/African-American, 0.0027%; no homozygotes.

Submission:

Labcorp Genetics (formerly Invitae), Labcorp
Classification: Uncertain significance for Fanconi anemia. Last evaluated: 2018-07-30. Review status: criteria provided, single submitter. Criteria: Invitae Variant Classification Sherloc (09022015). Collection method: clinical testing. Allele origin: germline.
Comment: This sequence change replaces methionine with isoleucine at codon 480 of the FANCM protein (p.Met480Ile). The methionine residue is moderately conserved and there is a small physicochemical difference between methionine and isoleucine. This variant is not present in population databases (ExAC no frequency). This variant has not been reported in the literature in individuals with FANCM-related disease. Algorithms developed to predict the effect of missense changes on protein structure and function (SIFT, PolyPhen-2, Align-GVGD) all suggest that this variant is likely to be tolerated, but these predictions have not been confirmed by published functional studies and their clinical significance is uncertain. In summary, the available evidence is currently insufficient to determine the role of this variant in disease. Therefore, it has been classified as a Variant of Uncertain Significance.